The following is an entry in ClinVar:

NM_015335.5(MED13L):c.995A>G (p.Glu332Gly)

Gene: MED13L (mediator complex subunit 13L; minus strand). Cytogenetic location: 12q24.21.
Variant type: single nucleotide variant.
Coding change: c.995A>G on transcript NM_015335.5 (MANE Select); coding-DNA position 995, A replaced by G.
Protein change: p.Glu332Gly; replaces glutamic acid 332 with glycine.
Molecular consequence: missense variant.
Genome position (GRCh38, 1-based): chr12:116,019,238, T>C on the plus strand (A>G on the coding strand, the complement: MED13L is on the minus strand). VCF-style: chr12-116019238-T-C. GRCh37 (hg19) VCF-style: chr12-116457043-T-C.
Other names: short protein forms E332G.
Identifiers: ClinVar variation 973301 (VCV000973301.4), dbSNP rs1440142042, ClinGen allele CA386899203.

ClinVar aggregate classification (germline): Likely pathogenic (1 of 4 stars; one submission).

Conditions:
MED13L-related neurodevelopmental disorder.

Submission:

Illumina Laboratory Services, Illumina
Classification: Likely pathogenic for MED13L-related neurodevelopmental disorder. Last evaluated: 2020-03-06. Review status: criteria provided, single submitter. Criteria: ICSLVariantClassificationCriteria RUGD 01 April 2020. Collection method: clinical testing. Allele origin: unknown.
Comment: The MED13L c.995A>G (p.Glu332Gly) variant is a missense variant. A literature search was performed for the gene, cDNA change, and amino acid change. No publications were found based on this search. This variant is not found in the Genome Aggregation Database in a region of good sequencing coverage, so the variant is presumed to be rare. Based on the rarity of the variant and identification in a de novo state, the p.Glu332Gly variant is classified as likely pathogenic for MED13L-related neurodevelopmental disorder.